The following is an entry in ClinVar:

NM_000572.3(IL10):c.255G>A (p.Glu85=)

Genes: IL10 (interleukin 10; minus strand), IL19 (interleukin 19; plus strand), LOC129932369 (ATAC-STARR-seq lymphoblastoid active region 2419; plus strand). Cytogenetic location: 1q32.1.
Variant type: single nucleotide variant.
Coding change: c.255G>A on transcript NM_000572.3 (MANE Select); coding-DNA position 255, G replaced by A.
Protein change: p.Glu85=; no amino-acid change (glutamic acid 85 retained).
Molecular consequence: synonymous variant. On other transcripts: 5 prime UTR variant (2), non-coding transcript variant (1), intron variant (1).
Genome position (GRCh38, 1-based): chr1:206,771,030, C>T on the plus strand (G>A on the coding strand, the complement: IL10 is on the minus strand). VCF-style: chr1-206771030-C-T. GRCh37 (hg19) VCF-style: chr1-206944375-C-T.
Other names: p.Glu85=; c.-197C>T (NM_153758.5); c.-1G>A (NM_001382624.1); c.-149+200C>T (NM_001393490.1).
Identifiers: ClinVar variation 1150550 (VCV001150550.10), dbSNP rs769682299, ClinGen allele CA1363789.
Genomic context (GRCh38, chr1:206,771,030, plus strand): 5'-GATGTCTGGGTCTTGGTTCTCAGCTTGGGGCATCACCTCCTCCAGGTAAAACTGGATCAT[C>T]TCAGACAAGGCTTGGCAACCCAGGTAACCCTAAGGGCAGGAGCCAAAGGTGAGTGAGAGA-3'
Protein context (NP_000563.1, residues 75-95): KGYLGCQALS[Glu85=]MIQFYLEEVM

ClinVar aggregate classification (germline): Likely benign. Review status: criteria provided, multiple submitters, no conflicts (2 of 4 stars). 2 submissions from 2 submitters: Likely benign (2). Last evaluated 2025-12-03.

Conditions:
Inflammatory bowel disease. Identifiers: Orphanet 104012, MedGen C0021390, MONDO:0005265.

Allele frequency attached by ClinVar (database versions not stated): TOPMed 0.00001; gnomAD exomes below 0.00001 and 0.00001; ExAC 0.00001; gnomAD 0.00001.
gnomAD v4.1: 9 of 1,614,076 alleles (0.00056%); highest among the groups gnomAD compares: Middle Eastern, 0.033%; no homozygotes.

Submissions (2):

Mayo Clinic Laboratories, Mayo Clinic
Classification: Likely benign. Last evaluated: 2025-12-03. Review status: criteria provided, single submitter. Criteria: ACMG Guidelines, 2015. Collection method: clinical testing. Allele origin: germline. Observed: 1 variant allele.
Comment: BP4, BP7, PM2_supporting

Labcorp Genetics (formerly Invitae), Labcorp
Classification: Likely benign for Inflammatory bowel disease. Last evaluated: 2025-11-27. Review status: criteria provided, single submitter. Criteria: Invitae Variant Classification Sherloc (09022015). Collection method: clinical testing. Allele origin: germline.